The following is an entry in ClinVar:

NM_001378615.1(CC2D2A):c.4726G>C (p.Asp1576His)

Genes: CC2D2A (coiled-coil and C2 domain containing 2A; plus strand), FBXL5 (F-box and leucine rich repeat protein 5; minus strand). Cytogenetic location: 4p15.32.
Variant type: single nucleotide variant.
Coding change: c.4726G>C on transcript NM_001378615.1 (MANE Select); coding-DNA position 4726, G replaced by C.
Protein change: p.Asp1576His; replaces aspartic acid 1576 with histidine.
Molecular consequence: missense variant.
Genome position (GRCh38, 1-based): chr4:15,601,288, G>C. VCF-style: chr4-15601288-G-C. GRCh37 (hg19) VCF-style: chr4-15602911-G-C.
Other names: c.4726G>C, p.Asp1576His (NM_001080522.2); c.4579G>C, p.Asp1527His (NM_001378617.1); short protein forms D1576H, D1527H.
Identifiers: ClinVar variation 420928 (VCV000420928.4), dbSNP rs1064794798, ClinGen allele CA16618036.

ClinVar aggregate classification (germline): Conflicting classifications of pathogenicity. Review status: criteria provided, conflicting classifications (1 of 4 stars). 2 submissions from 2 submitters: Likely pathogenic (1); Uncertain significance (1). Last evaluated 2023-08-29.

Submissions (2):

Women's Health and Genetics/Laboratory Corporation of America, LabCorp
Classification: Uncertain significance. Last evaluated: 2023-08-29. Review status: criteria provided, single submitter. Criteria: LabCorp Variant Classification Summary - May 2015. Collection method: clinical testing. Allele origin: germline.
Comment: Variant summary: CC2D2A c.4726G>C (p.Asp1576His) results in a non-conservative amino acid change in the encoded protein sequence. Four of five in-silico tools predict a damaging effect of the variant on protein function. The variant allele was found at a frequency of 4e-06 in 247594 control chromosomes (gnomAD). The available data on variant occurrences in the general population are insufficient to allow any conclusion about variant significance. c.4726G>C has been reported in the literature in at least one compound heterozygous individual affected with Joubert syndrome (e.g., Radha-Rama-Devi_2020). These data do not allow any conclusion about variant significance. To our knowledge, no experimental evidence demonstrating an impact on protein function has been reported. The following publication was ascertained in the context of this evaluation (PMID: 32139166). One submitter has reported clinical-significance assessments for this variant to ClinVar after 2014 and has classified the variant as likely pathogenic without evidence for independent evaluation. Based on the evidence outlined above, the variant was classified as uncertain significance.

GeneDx
Classification: Likely pathogenic. Last evaluated: 2019-07-01. Review status: criteria provided, single submitter. Criteria: GeneDx Variant Classification Process June 2021. Collection method: clinical testing. Allele origin: germline. Affected: yes.
Comment: Not observed at a significant frequency in large population cohorts (Lek et al., 2016); In silico analysis, which includes protein predictors and evolutionary conservation, supports a deleterious effect; Has not been previously published as pathogenic or benign to our knowledge

Literature cited by the submitters: PubMed 32139166 (cited by Women's Health and Genetics/Laboratory Corporation of America, LabCorp).